The following is an entry in ClinVar:

NM_001205293.3(CACNA1E):c.498C>G (p.Ile166Met)

Gene: CACNA1E (calcium voltage-gated channel subunit alpha1 E; plus strand). Cytogenetic location: 1q25.3.
Variant type: single nucleotide variant.
Coding change: c.498C>G on transcript NM_001205293.3 (MANE Select); coding-DNA position 498, C replaced by G.
Protein change: p.Ile166Met; replaces isoleucine 166 with methionine.
Molecular consequence: missense variant.
Genome position (GRCh38, 1-based): chr1:181,511,496, C>G. VCF-style: chr1-181511496-C-G. GRCh37 (hg19) VCF-style: chr1-181480632-C-G.
Other names: c.498C>G, p.Ile166Met (NM_000721.4, NM_001205294.2); short protein forms I166M.
Identifiers: ClinVar variation 3236768 (VCV003236768.1), dbSNP rs376114074.
Genomic context (GRCh38, chr1:181,511,496, plus strand): 5'-GGGGTTCATCTTCCATAAGGGCTCTTACCTCCGCAATGGCTGGAATGTCATGGACTTCAT[C>G]GTGGTCCTCAGTGGGTAAGTCCATTTTCTCTCTCTGTCTGTGTGTGTGTATGAAGGGGGT-3'
Protein context (NP_001192222.1, residues 156-176): LRNGWNVMDF[Ile166Met]VVLSGILATA

ClinVar aggregate classification (germline): Uncertain significance (1 of 4 stars; one submission).

Conditions:
Developmental and epileptic encephalopathy, 69. Also called: EPILEPTIC ENCEPHALOPATHY, EARLY INFANTILE, 69. Identifiers: MedGen C4748988, MONDO:0032657, OMIM 618285.

Submission:

MVZ Medizinische Genetik Mainz
Classification: Uncertain significance for Developmental and epileptic encephalopathy, 69. Last evaluated: 2023-02-08. Review status: criteria provided, single submitter. Criteria: UK Practice Guidelines For Variant Classification V4 01 2020. Collection method: clinical testing. Allele origin: germline. Inheritance: Autosomal dominant inheritance. Affected: yes. Observed: 1 variant allele.
Comment: ACMG Criteria: PM2_SUP,PP2,PP3